The following is an entry in ClinVar:

ClinVar aggregate classification (germline): Benign/Likely benign. Review status: criteria provided, multiple submitters, no conflicts (2 of 4 stars). 4 submissions from 4 submitters: Benign (1); Likely benign (3). Last evaluated 2025-07-27.

Conditions:
Hereditary cancer-predisposing syndrome. Also called: Hereditary neoplastic syndrome; Neoplastic Syndromes, Hereditary; Tumor predisposition; Hereditary Cancer Syndrome. Identifiers: Orphanet 140162, MedGen C0027672, MeSH D009386, MONDO:0015356.
Familial cancer of breast. Also called: BREAST CANCER, FAMILIAL; Hereditary breast cancer; hereditary breast carcinoma. Identifiers: Orphanet 227535, MedGen C0346153, MONDO:0016419, OMIM 114480. Disease mechanism: loss of function.

Allele frequency attached by ClinVar (database versions not stated): gnomAD exomes below 0.00001.
gnomAD v4.1: 1 of 1,610,688 alleles (0.000062%); highest among the groups gnomAD compares: Non-Finnish European, 0.000085%; no homozygotes.

Submissions (4):

Labcorp Genetics (formerly Invitae), Labcorp
Classification: Likely benign for Familial cancer of breast. Last evaluated: 2025-07-27. Review status: criteria provided, single submitter. Criteria: Invitae Variant Classification Sherloc (09022015). Collection method: clinical testing. Allele origin: germline.

Myriad Genetics, Inc.
Classification: Benign for Familial cancer of breast. Last evaluated: 2025-01-14. Review status: criteria provided, single submitter. Criteria: Myriad Autosomal Dominant, Autosomal Recessive and X-Linked Classification Criteria (2023). Collection method: clinical testing. Allele origin: unknown.
Comment: This variant is considered benign. This variant is a silent/synonymous amino acid change and it is not expected to impact splicing.

GeneDx
Classification: Likely benign. Last evaluated: 2016-06-22. Review status: criteria provided, single submitter. Criteria: GeneDx Variant Classification (06012015). Collection method: clinical testing. Allele origin: germline. Affected: yes.
Comment: This variant is considered likely benign or benign based on one or more of the following criteria: it is a conservative change, it occurs at a poorly conserved position in the protein, it is predicted to be benign by multiple in silico algorithms, and/or has population frequency not consistent with disease.

Ambry Genetics
Classification: Likely benign for Hereditary cancer-predisposing syndrome. Last evaluated: 2014-05-27. Review status: criteria provided, single submitter. Criteria: Ambry Variant Classification Scheme 2023. Collection method: clinical testing. Allele origin: germline.

NM_024675.4(PALB2):c.1692A>G (p.Lys564=)

Gene: PALB2 (partner and localizer of BRCA2; minus strand). Cytogenetic location: 16p12.2.
Variant type: single nucleotide variant.
Coding change: c.1692A>G on transcript NM_024675.4 (MANE Select); coding-DNA position 1692, A replaced by G.
Protein change: p.Lys564=; no amino-acid change (lysine 564 retained).
Molecular consequence: synonymous variant.
Genome position (GRCh38, 1-based): chr16:23,630,462, T>C on the plus strand (A>G on the coding strand, the complement: PALB2 is on the minus strand). VCF-style: chr16-23630462-T-C. GRCh37 (hg19) VCF-style: chr16-23641783-T-C.
Identifiers: ClinVar variation 184985 (VCV000184985.16), dbSNP rs786201842, ClinGen allele CA190683.